The following is an entry in ClinVar:

NM_000458.4(HNF1B):c.406C>T (p.Gln136Ter)

Gene: HNF1B (HNF1 homeobox B; minus strand). Cytogenetic location: 17q12.
Variant type: single nucleotide variant.
Coding change: c.406C>T on transcript NM_000458.4 (MANE Select); coding-DNA position 406, C replaced by T.
Protein change: p.Gln136Ter; replaces glutamine 136 with a stop codon.
Molecular consequence: nonsense.
Genome position (GRCh38, 1-based): chr17:37,739,578, G>A on the plus strand (C>T on the coding strand, the complement: HNF1B is on the minus strand). VCF-style: chr17-37739578-G-A. GRCh37 (hg19) VCF-style: chr17-36099569-G-A.
Other names: c.406C>T, p.Gln136Ter (NM_001165923.4, NM_001304286.2); short protein forms Q136*.
Identifiers: ClinVar variation 635701 (VCV000635701.7), dbSNP rs2511829513, ClinGen allele CA398751565.

ClinVar aggregate classification (germline): Pathogenic. Review status: criteria provided, multiple submitters, no conflicts (2 of 4 stars). 3 submissions from 3 submitters: Pathogenic (2). 1 of the submissions does not count toward it. Last evaluated 2022-03-06.

Conditions:
Renal cysts and diabetes syndrome (RCAD). Also called: Familial hypoplastic, glomerulocystic kidney; MATURITY-ONSET DIABETES OF THE YOUNG, TYPE 5. Identifiers: Orphanet 93111, MedGen C0431693, MONDO:0007669, OMIM 137920.

Submissions (3):

Labcorp Genetics (formerly Invitae), Labcorp
Classification: Pathogenic. Last evaluated: 2022-03-06. Review status: criteria provided, single submitter. Criteria: Invitae Variant Classification Sherloc (09022015). Collection method: clinical testing. Allele origin: germline.
Comment: For these reasons, this variant has been classified as Pathogenic. ClinVar contains an entry for this variant (Variation ID: 635701). This premature translational stop signal has been observed in individual(s) with maturity-onset diabetes of the young (PMID: 16249435). This variant is not present in population databases (gnomAD no frequency). This sequence change creates a premature translational stop signal (p.Gln136*) in the HNF1B gene. It is expected to result in an absent or disrupted protein product. Loss-of-function variants in HNF1B are known to be pathogenic (PMID: 9398836, 12148114, 15068978, 20378641).

Institute of Human Genetics, FAU Erlangen, Friedrich-Alexander-Universität Erlangen-Nürnberg
Classification: Pathogenic for Renal cysts and diabetes syndrome. Last evaluated: 2019-07-06. Review status: criteria provided, single submitter. Criteria: ACMG Guidelines, 2015. Collection method: literature only. Allele origin: germline. Affected: yes.
Comment: This variant and it's classification has been reported by Vasileiou et al. 2019; DOI:10.1101/576918. The variants has previously been reported in PMID:25700310; PMID:16371430; PMID:16249435; PMID:24387224; PMID:25536396 as "c.406C>T; c.406C>T p.Gln136Stop; c.406C>T" with clinical significance Pathogenic. It has been re-classified using InterVar and manual curation as Pathogenic based on PVS1 PM2 PP3.

Gharavi Laboratory, Columbia University
Classification: Pathogenic for Renal cysts and diabetes syndrome. Last evaluated: 2024-11-05. Review status: no assertion criteria provided. Criteria: ACMG Guidelines, 2015. Collection method: case-control. Allele origin: germline. Affected: yes. Not counted in ClinVar's aggregate classification.

Literature cited by the submitters: PubMed 16249435 (cited by Labcorp Genetics (formerly Invitae), Labcorp and Institute of Human Genetics, FAU Erlangen, Friedrich-Alexander-Universität Erlangen-Nürnberg); PubMed 9398836 (cited by Labcorp Genetics (formerly Invitae), Labcorp); PubMed 12148114 (cited by Labcorp Genetics (formerly Invitae), Labcorp); PubMed 15068978 (cited by Labcorp Genetics (formerly Invitae), Labcorp); PubMed 20378641 (cited by Labcorp Genetics (formerly Invitae), Labcorp); PubMed 25700310 (cited by Institute of Human Genetics, FAU Erlangen, Friedrich-Alexander-Universität Erlangen-Nürnberg); PubMed 16371430 (cited by Institute of Human Genetics, FAU Erlangen, Friedrich-Alexander-Universität Erlangen-Nürnberg); PubMed 24387224 (cited by Institute of Human Genetics, FAU Erlangen, Friedrich-Alexander-Universität Erlangen-Nürnberg); PubMed 25536396 (cited by Institute of Human Genetics, FAU Erlangen, Friedrich-Alexander-Universität Erlangen-Nürnberg); DOI 10.1101/576918 (cited by Institute of Human Genetics, FAU Erlangen, Friedrich-Alexander-Universität Erlangen-Nürnberg).